The following is an entry in ClinVar:

NM_018136.5(ASPM):c.3726A>G (p.Thr1242=)

Gene: ASPM (assembly factor for spindle microtubules; minus strand). Cytogenetic location: 1q31.3.
Variant type: single nucleotide variant.
Coding change: c.3726A>G on transcript NM_018136.5 (MANE Select); coding-DNA position 3726, A replaced by G.
Protein change: p.Thr1242=; no amino-acid change (threonine 1242 retained).
Molecular consequence: synonymous variant.
Genome position (GRCh38, 1-based): chr1:197,122,174, T>C on the plus strand (A>G on the coding strand, the complement: ASPM is on the minus strand). VCF-style: chr1-197122174-T-C. GRCh37 (hg19) VCF-style: chr1-197091304-T-C.
Other names: c.3726A>G, p.Thr1242= (NM_001206846.2).
Identifiers: ClinVar variation 284204 (VCV000284204.15), dbSNP rs376539395, ClinGen allele CA1310104.

ClinVar aggregate classification (germline): Conflicting classifications of pathogenicity. Review status: criteria provided, conflicting classifications (1 of 4 stars). 4 submissions from 4 submitters: Uncertain significance (2); Likely benign (1). 1 of the submissions does not count toward it. Last evaluated 2026-01-13.

Conditions:
ASPM-related disorder. Also called: ASPM-related condition.
Microcephaly 5, primary, autosomal recessive (MCPH5). Also called: ASPM Primary Microcephaly. Identifiers: Orphanet 2512, MedGen C1837501, MONDO:0012106, OMIM 608716.

Allele frequency attached by ClinVar (database versions not stated): gnomAD 0.00003 and 0.00004; gnomAD exomes 0.00003 and 0.00006; ExAC 0.00004; ESP Exome Variant Server 0.00008; TOPMed 0.00008.
gnomAD v4.1: 47 of 1,611,038 alleles (0.0029%); highest among the groups gnomAD compares: Admixed American, 0.035%; no homozygotes.

Submissions (4):

Labcorp Genetics (formerly Invitae), Labcorp
Classification: Likely benign. Last evaluated: 2026-01-13. Review status: criteria provided, single submitter. Criteria: Invitae Variant Classification Sherloc (09022015). Collection method: clinical testing. Allele origin: germline.

Illumina Laboratory Services, Illumina
Classification: Uncertain significance for Microcephaly 5, primary, autosomal recessive. Last evaluated: 2018-01-12. Review status: criteria provided, single submitter. Criteria: ICSL Variant Classification Criteria 13 December 2019. Collection method: clinical testing. Allele origin: germline.

Eurofins Ntd Llc (ga)
Classification: Uncertain significance. Last evaluated: 2015-10-30. Review status: criteria provided, single submitter. Criteria: EGL Classification Definitions 2015. Collection method: clinical testing. Allele origin: germline. Observed: 1 variant allele, 1 heterozygote.

PreventionGenetics, part of Exact Sciences
Classification: Likely benign for ASPM-related condition. Last evaluated: 2019-02-21. Review status: no assertion criteria provided. Collection method: clinical testing. Allele origin: germline. Not counted in ClinVar's aggregate classification.
Comment: This variant is classified as likely benign based on ACMG/AMP sequence variant interpretation guidelines (Richards et al. 2015 PMID: 25741868, with internal and published modifications).